The following is an entry in ClinVar:

NM_000059.4(BRCA2):c.1142A>G (p.Asp381Gly)

Gene: BRCA2 (BRCA2 DNA repair associated; plus strand). Cytogenetic location: 13q13.1.
Variant type: single nucleotide variant.
Coding change: c.1142A>G on transcript NM_000059.4 (MANE Select); coding-DNA position 1142, A replaced by G.
Protein change: p.Asp381Gly; replaces aspartic acid 381 with glycine.
Molecular consequence: missense variant.
Genome position (GRCh38, 1-based): chr13:32,332,620, A>G. VCF-style: chr13-32332620-A-G. GRCh37 (hg19) VCF-style: chr13-32906757-A-G.
Other names: short protein forms D381G.
Identifiers: ClinVar variation 578294 (VCV000578294.16), dbSNP rs769297468, ClinGen allele CA6940493.

ClinVar aggregate classification (germline): Conflicting classifications of pathogenicity. Review status: criteria provided, conflicting classifications (1 of 4 stars). 3 submissions from 3 submitters: Uncertain significance (2); Likely benign (1). Last evaluated 2024-02-01.

Conditions:
Hereditary cancer-predisposing syndrome. Also called: Tumor predisposition; Hereditary neoplastic syndrome; Hereditary Cancer Syndrome; Neoplastic Syndromes, Hereditary. Identifiers: Orphanet 140162, MedGen C0027672, MeSH D009386, MONDO:0015356.
Hereditary breast ovarian cancer syndrome. Also called: Hereditary breast and ovarian cancer; Breast and ovarian cancer; Hereditary breast and ovarian cancer syndrome; BRCA1- and BRCA2-Associated Hereditary Breast and Ovarian Cancer; Hereditary breast and/or ovarian cancer syndrome; Hereditary breast and ovarian cancer syndrome (HBOC). Identifiers: Orphanet 145, MedGen C0677776, MeSH D061325, MONDO:0003582. Disease mechanism: loss of function.

Allele frequency attached by ClinVar (database versions not stated): gnomAD exomes below 0.00001; TOPMed below 0.00001; ExAC 0.00001; gnomAD 0.00001.
gnomAD v4.1: 4 of 1,614,006 alleles (0.00025%); highest among the groups gnomAD compares: Admixed American, 0.0033%; no homozygotes.

Submissions (3):

Ambry Genetics
Classification: Uncertain significance for Hereditary cancer-predisposing syndrome. Last evaluated: 2024-02-01. Review status: criteria provided, single submitter. Criteria: Ambry Variant Classification Scheme 2023. Collection method: clinical testing. Allele origin: germline.
Comment: The p.D381G variant (also known as c.1142A>G), located in coding exon 9 of the BRCA2 gene, results from an A to G substitution at nucleotide position 1142. The aspartic acid at codon 381 is replaced by glycine, an amino acid with similar properties. One study identified this alteration in 1/54 Brazilian patients with early-onset breast cancer (Carraro DM et al. PLoS ONE, 2013 Mar;8:e57581). This amino acid position is not well conserved in available vertebrate species. In addition, this alteration is predicted to be tolerated by in silico analysis. Since supporting evidence is limited at this time, the clinical significance of this alteration remains unclear.

University of Washington Department of Laboratory Medicine, University of Washington
Classification: Likely benign for Hereditary cancer-predisposing syndrome. Last evaluated: 2023-03-23. Review status: criteria provided, single submitter. Criteria: Dines et al. (Genet Med. 2020). Collection method: curation. Allele origin: germline.
Comment: Missense variant in a coldspot region where missense variants are very unlikely to be pathogenic (PMID:31911673).

BRCA2 exon 10 coldspot. Reclassification based on statistical prior probability.

Labcorp Genetics (formerly Invitae), Labcorp
Classification: Uncertain significance for Hereditary breast ovarian cancer syndrome. Last evaluated: 2022-04-08. Review status: criteria provided, single submitter. Criteria: Invitae Variant Classification Sherloc (09022015). Collection method: clinical testing. Allele origin: germline.
Comment: This missense change has been observed in individual(s) with breast cancer (PMID: 23469205). In summary, the available evidence is currently insufficient to determine the role of this variant in disease. Therefore, it has been classified as a Variant of Uncertain Significance. Advanced modeling of protein sequence and biophysical properties (such as structural, functional, and spatial information, amino acid conservation, physicochemical variation, residue mobility, and thermodynamic stability) performed at Invitae indicates that this missense variant is not expected to disrupt BRCA2 protein function. ClinVar contains an entry for this variant (Variation ID: 578294). This variant is also known as 1370A>G. This variant is present in population databases (rs769297468, gnomAD 0.0009%). This sequence change replaces aspartic acid, which is acidic and polar, with glycine, which is neutral and non-polar, at codon 381 of the BRCA2 protein (p.Asp381Gly).

Literature cited by the submitters: PubMed 23469205 (cited by Ambry Genetics and Labcorp Genetics (formerly Invitae), Labcorp).